The following is an entry in ClinVar:

NM_014244.5(ADAMTS2):c.1083T>C (p.Asp361=)

Gene: ADAMTS2 (ADAM metallopeptidase with thrombospondin type 1 motif 2; minus strand). Cytogenetic location: 5q35.3.
Variant type: single nucleotide variant.
Coding change: c.1083T>C on transcript NM_014244.5 (MANE Select); coding-DNA position 1083, T replaced by C.
Protein change: p.Asp361=; no amino-acid change (aspartic acid 361 retained).
Molecular consequence: synonymous variant.
Genome position (GRCh38, 1-based): chr5:179,158,772, A>G on the plus strand (T>C on the coding strand, the complement: ADAMTS2 is on the minus strand). VCF-style: chr5-179158772-A-G. GRCh37 (hg19) VCF-style: chr5-178585773-A-G.
Other names: p.Asp361=; c.1083T>C, p.Asp361= (NM_021599.4).
Identifiers: ClinVar variation 389834 (VCV000389834.51), dbSNP rs150079799, ClinGen allele CA3596046.

ClinVar aggregate classification (germline): Conflicting classifications of pathogenicity. Review status: criteria provided, conflicting classifications (1 of 4 stars). 8 submissions from 8 submitters: Uncertain significance (2); Benign (1); Likely benign (5). Last evaluated 2026-08-01.

Conditions:
Ehlers-Danlos syndrome, dermatosparaxis type. Also called: Dermatosparaxis; Ehlers-Danlos syndrome, type VII, autosomal recessive; EDS VIIC. Identifiers: Orphanet 1901, MedGen C2700425, MONDO:0009161, OMIM 225410.
Ehlers-Danlos syndrome (EDS). Identifiers: Orphanet 98249, MedGen C0013720, MONDO:0020066.

Allele frequency attached by ClinVar (database versions not stated): ExAC 0.00027; gnomAD exomes 0.00029 and 0.00044; ESP Exome Variant Server 0.00038; 1000 Genomes Project 0.00040; gnomAD 0.00054 and 0.00056; 1000 Genomes Project 30x 0.00062; TOPMed 0.00072.
gnomAD v4.1: 744 of 1,614,184 alleles (0.046%); highest among the groups gnomAD compares: Admixed American, 0.083%; 2 homozygotes.

Submissions (8):

CeGaT Center for Human Genetics Tuebingen
Classification: Likely benign. Last evaluated: 2026-08-01. Review status: criteria provided, single submitter. Criteria: CeGaT Center For Human Genetics Tuebingen Variant Classification Criteria Version 2. Collection method: clinical testing. Allele origin: germline. Affected: yes. Observed: 4 variant alleles.
Comment: ADAMTS2: BP4, BP7

Labcorp Genetics (formerly Invitae), Labcorp
Classification: Likely benign for Ehlers-Danlos syndrome, dermatosparaxis type. Last evaluated: 2026-01-26. Review status: criteria provided, single submitter. Criteria: Invitae Variant Classification Sherloc (09022015). Collection method: clinical testing. Allele origin: germline.

Blueprint Genetics
Classification: Likely benign. Last evaluated: 2024-11-21. Review status: criteria provided, single submitter. Criteria: ACMG Guidelines, 2015. Collection method: clinical testing. Allele origin: germline.

Mayo Clinic Laboratories, Mayo Clinic
Classification: Benign. Last evaluated: 2024-06-25. Review status: criteria provided, single submitter. Criteria: ACMG Guidelines, 2015. Collection method: clinical testing. Allele origin: germline. Observed: 7 variant alleles.
Comment: BS1, BS2, BP4, BP7

Women's Health and Genetics/Laboratory Corporation of America, LabCorp
Classification: Likely benign. Last evaluated: 2024-03-08. Review status: criteria provided, single submitter. Criteria: LabCorp Variant Classification Summary - May 2015. Collection method: clinical testing. Allele origin: germline.
Comment: Variant summary: ADAMTS2 c.1083T>C alters a conserved nucleotide resulting in a synonymous change. Consensus agreement among computation tools predict no significant impact on normal splicing. However, these predictions have yet to be confirmed by functional studies. The variant allele was found at a frequency of 0.00029 in 251428 control chromosomes (gnomAD). This frequency is not significantly higher than estimated for a pathogenic variant in ADAMTS2 causing Ehlers-Danlos Syndrome, Type VIIC (Dermatosparaxis) (0.00029 vs 0.0029), allowing no conclusion about variant significance. To our knowledge, no occurrence of c.1083T>C in individuals affected with Ehlers-Danlos Syndrome, Type VIIC (Dermatosparaxis) and no experimental evidence demonstrating its impact on protein function have been reported. ClinVar contains an entry for this variant (Variation ID: 389834). Based on the evidence outlined above, the variant was classified as likely benign.

Genome Diagnostics Laboratory, The Hospital for Sick Children
Classification: Uncertain significance for Ehlers-Danlos syndrome. Last evaluated: 2022-01-18. Review status: criteria provided, single submitter. Criteria: ACMG Guidelines, 2015. Collection method: clinical testing. Allele origin: germline.

GeneDx
Classification: Likely benign. Last evaluated: 2021-03-24. Review status: criteria provided, single submitter. Criteria: GeneDx Variant Classification Process June 2021. Collection method: clinical testing. Allele origin: germline. Affected: yes.

Illumina Laboratory Services, Illumina
Classification: Uncertain significance for Ehlers-Danlos syndrome, dermatosparaxis type. Last evaluated: 2018-01-13. Review status: criteria provided, single submitter. Criteria: ICSL Variant Classification Criteria 13 December 2019. Collection method: clinical testing. Allele origin: germline.